The following is an entry in ClinVar:

ClinVar aggregate classification (germline): Likely benign. Review status: criteria provided, multiple submitters, no conflicts (2 of 4 stars). 2 submissions from 2 submitters: Likely benign (2). Last evaluated 2026-03-01.

Allele frequency attached by ClinVar (database versions not stated): gnomAD 0.00001; gnomAD exomes 0.00001; TOPMed 0.00001; ExAC 0.00002.
gnomAD v4.1: 8 of 1,613,942 alleles (0.0005%); highest among the groups gnomAD compares: South Asian, 0.0044%; no homozygotes.

Submissions (2):

CeGaT Center for Human Genetics Tuebingen
Classification: Likely benign. Last evaluated: 2026-03-01. Review status: criteria provided, single submitter. Criteria: CeGaT Center For Human Genetics Tuebingen Variant Classification Criteria Version 2. Collection method: clinical testing. Allele origin: germline. Affected: yes. Observed: 1 variant allele.
Comment: CDH2: BP4, BP7

Labcorp Genetics (formerly Invitae), Labcorp
Classification: Likely benign. Last evaluated: 2023-10-18. Review status: criteria provided, single submitter. Criteria: Invitae Variant Classification Sherloc (09022015). Collection method: clinical testing. Allele origin: germline.

NM_001792.5(CDH2):c.1470C>T (p.Asp490=)

Gene: CDH2 (cadherin 2; minus strand). Cytogenetic location: 18q12.1.
Variant type: single nucleotide variant.
Coding change: c.1470C>T on transcript NM_001792.5 (MANE Select); coding-DNA position 1470, C replaced by T.
Protein change: p.Asp490=; no amino-acid change (aspartic acid 490 retained).
Molecular consequence: synonymous variant.
Genome position (GRCh38, 1-based): chr18:27,990,225, G>A on the plus strand (C>T on the coding strand, the complement: CDH2 is on the minus strand). VCF-style: chr18-27990225-G-A. GRCh37 (hg19) VCF-style: chr18-25570189-G-A.
Other names: c.1377C>T, p.Asp459= (NM_001308176.2).
Identifiers: ClinVar variation 1910642 (VCV001910642.9), dbSNP rs775477675, ClinGen allele CA8923389.